The following is an entry in ClinVar:

ClinVar aggregate classification (germline): Pathogenic/Likely pathogenic. Review status: criteria provided, multiple submitters, no conflicts (2 of 4 stars). 6 submissions from 6 submitters: Pathogenic (2); Likely pathogenic (3). 1 of the submissions does not count toward it. Last evaluated 2026-10-13.

Conditions:
MYH7-related disorder. Also called: MYH7-related condition; MYH7-related disease; MYH7-related disorders.
Cardiovascular phenotype. Identifiers: MedGen CN230736.
Hypertrophic cardiomyopathy. Also called: HYPERTROPHIC MYOCARDIOPATHY. Identifiers: Orphanet 217569, MedGen C0007194, MeSH D002312, MONDO:0005045, HP:0001639.

Submissions (6):

GeneDx
Classification: Likely pathogenic. Last evaluated: 2026-10-13. Review status: criteria provided, single submitter. Criteria: GeneDx Variant Classification Process June 2021. Collection method: clinical testing. Allele origin: germline.
Comment: Not observed at significant frequency in large population cohorts (gnomAD); In silico analysis supports that this missense variant has a deleterious effect on protein structure/function; This variant is associated with the following publications: (PMID: 32746448, 30297972, 31513939, 39481677, 24704860, 40225148, 21302287, 27247418, 33673806, 34542152, 27532257, 29300372)

Labcorp Genetics (formerly Invitae), Labcorp
Classification: Pathogenic for Hypertrophic cardiomyopathy. Last evaluated: 2025-12-29. Review status: criteria provided, single submitter. Criteria: Invitae Variant Classification Sherloc (09022015). Collection method: clinical testing. Allele origin: germline.
Comment: This sequence change replaces asparagine, which is neutral and polar, with serine, which is neutral and polar, at codon 444 of the MYH7 protein (p.Asn444Ser). This variant is not present in population databases (gnomAD no frequency). This missense change has been observed in individuals with hypertrophic cardiomyopathy (PMID: 21302287, 24704860; internal data). ClinVar contains an entry for this variant (Variation ID: 181343). Invitae Evidence Modeling of protein sequence and biophysical properties (such as structural, functional, and spatial information, amino acid conservation, physicochemical variation, residue mobility, and thermodynamic stability) indicates that this missense variant is expected to disrupt MYH7 protein function with a positive predictive value of 95%. For these reasons, this variant has been classified as Pathogenic.

Ambry Genetics
Classification: Likely pathogenic for Cardiovascular phenotype. Last evaluated: 2025-06-17. Review status: criteria provided, single submitter. Criteria: Ambry Variant Classification Scheme 2023. Collection method: clinical testing. Allele origin: germline.
Comment: The p.N444S variant (also known as c.1331A>G), located in coding exon 12 of the MYH7 gene, results from an A to G substitution at nucleotide position 1331. The asparagine at codon 444 is replaced by serine, an amino acid with highly similar properties. This alteration is located in the myosin head domain, which contains a statistically significant clustering of pathogenic missense variants (Homburger JR et al. Proc Natl Acad Sci U S A, 2016 06;113:6701-6; Walsh R et al. Genet Med, 2017 02;19:192-203; Ambry internal data). This variant was reported in individual(s) with features consistent with hypertrophic cardiomyopathy (Roncarati R et al. J Cell Physiol, 2011 Nov;226:2894-900; Captur G et al. Circ Cardiovasc Genet, 2014 Jun;7:241-8; Homburger JR et al. Proc Natl Acad Sci U S A, 2016 Jun;113:6701-6; Ho CY et al. Circulation, 2018 Oct;138:1387-1398; Robyns T et al. Eur J Med Genet, 2020 Mar;63:103754; Hathaway J et al. BMC Cardiovasc Disord, 2021 Mar;21:126; Burstein DS et al. Pediatr Res, 2021 May;89:1470-1476; external communication; Ambry internal data). This amino acid position is highly conserved in available vertebrate species. In addition, this alteration is predicted to be deleterious by in silico analysis. This variant is considered to be rare based on population cohorts in the Genome Aggregation Database (gnomAD). Based on the majority of available evidence to date, this variant is likely to be pathogenic.

Blueprint Genetics
Classification: Likely pathogenic for MYH7-related disorders. Last evaluated: 2024-11-26. Review status: criteria provided, single submitter. Criteria: ACMG Guidelines, 2015. Collection method: clinical testing. Allele origin: germline. Affected: yes. Observed: 2 variant alleles.

Lildballe Lab, Aarhus University Hospital
Classification: Pathogenic for Hypertrophic cardiomyopathy. Last evaluated: 2024-03-01. Review status: criteria provided, single submitter. Criteria: ACMG Guidelines, 2015. Collection method: research. Allele origin: germline. Affected: yes.
Comment: PS4(s), PM1(m), PM2(sup), PP3(sup),

Center for Human Genetics, University of Leuven
Classification: Uncertain significance for Hypertrophic cardiomyopathy. Last evaluated: 2018-10-31. Review status: flagged submission. Criteria: ACMG Guidelines, 2015. Collection method: clinical testing. Allele origin: germline. Affected: yes. Not counted in ClinVar's aggregate classification.
ClinVar note: Reason: Outlier claim with insufficient supporting evidence

Literature cited by the submitters: PubMed 21302287 (cited by Labcorp Genetics (formerly Invitae), Labcorp and Ambry Genetics); PubMed 24704860 (cited by Labcorp Genetics (formerly Invitae), Labcorp and Ambry Genetics); PubMed 27247418 (cited by Ambry Genetics); PubMed 30297972 (cited by Ambry Genetics); PubMed 31513939 (cited by Ambry Genetics); PubMed 32746448 (cited by Ambry Genetics); PubMed 33673806 (cited by Ambry Genetics); PubMed 25741892 (cited by Lildballe Lab, Aarhus University Hospital); PubMed 39481677 (cited by Lildballe Lab, Aarhus University Hospital).

NM_000257.4(MYH7):c.1331A>G (p.Asn444Ser)

Gene: MYH7 (myosin heavy chain 7; minus strand). Cytogenetic location: 14q11.2.
Variant type: single nucleotide variant.
Coding change: c.1331A>G on transcript NM_000257.4 (MANE Select); coding-DNA position 1331, A replaced by G.
Protein change: p.Asn444Ser; replaces asparagine 444 with serine.
Molecular consequence: missense variant.
Genome position (GRCh38, 1-based): chr14:23,429,031, T>C on the plus strand (A>G on the coding strand, the complement: MYH7 is on the minus strand). VCF-style: chr14-23429031-T-C. GRCh37 (hg19) VCF-style: chr14-23898240-T-C.
Other names: p.N444S:AAT>AGT; c.1331A>G (LRG_384t1); short protein forms N444S.
Identifiers: ClinVar variation 181343 (VCV000181343.22), dbSNP rs730880159, ClinGen allele CA010585.
Genomic context (GRCh38, chr14:23,429,031, plus strand): 5'-CCAGCGATGTCCAGGACTCCTATGAAGTACTGGCGTGGCTGCTTGGTCTCCAGGGTGGCA[T>C]TGATGCGCGTCACCATCCAGTTGAACATCCTCTCATACACTGCCTTGGCCAGTGCCCCAG-3'
Protein context (NP_000248.2, residues 434-454): RMFNWMVTRI[Asn444Ser]ATLETKQPRQ